The following is an entry in ClinVar:

NM_007055.4(POLR3A):c.476G>A (p.Cys159Tyr)

Genes: POLR3A (RNA polymerase III subunit A; minus strand), LOC126860971 (CDK7 strongly-dependent group 2 enhancer GRCh37_chr10:79784551-79785750; plus strand). Cytogenetic location: 10q22.3.
Variant type: single nucleotide variant.
Coding change: c.476G>A on transcript NM_007055.4 (MANE Select); coding-DNA position 476, G replaced by A.
Protein change: p.Cys159Tyr; replaces cysteine 159 with tyrosine.
Molecular consequence: missense variant.
Genome position (GRCh38, 1-based): chr10:78,024,985, C>T on the plus strand (G>A on the coding strand, the complement: POLR3A is on the minus strand). VCF-style: chr10-78024985-C-T. GRCh37 (hg19) VCF-style: chr10-79784743-C-T.
Other names: short protein forms C159Y.
Identifiers: ClinVar variation 1399984 (VCV001399984.8), dbSNP rs746103631, ClinGen allele CA5571698.

ClinVar aggregate classification (germline): Uncertain significance (1 of 4 stars; one submission).

Allele frequency attached by ClinVar (database versions not stated): gnomAD exomes below 0.00001; ExAC 0.00001.
gnomAD v4.1: 1 of 1,614,216 alleles (0.000062%); highest among the groups gnomAD compares: Non-Finnish European, 0.000085%; no homozygotes.

Submission:

Labcorp Genetics (formerly Invitae), Labcorp
Classification: Uncertain significance. Last evaluated: 2020-12-25. Review status: criteria provided, single submitter. Criteria: Invitae Variant Classification Sherloc (09022015). Collection method: clinical testing. Allele origin: germline.
Comment: In summary, the available evidence is currently insufficient to determine the role of this variant in disease. Therefore, it has been classified as a Variant of Uncertain Significance. Algorithms developed to predict the effect of missense changes on protein structure and function are either unavailable or do not agree on the potential impact of this missense change (SIFT: "Deleterious"; PolyPhen-2: "Probably Damaging"; Align-GVGD: "Class C0"). This variant has not been reported in the literature in individuals with POLR3A-related conditions. This variant is present in population databases (rs746103631, ExAC 0.001%). This sequence change replaces cysteine with tyrosine at codon 159 of the POLR3A protein (p.Cys159Tyr). The cysteine residue is moderately conserved and there is a large physicochemical difference between cysteine and tyrosine.